The following is an entry in ClinVar:

ClinVar aggregate classification (germline): Uncertain significance (1 of 4 stars; one submission).

Conditions:
Autoimmune interstitial lung disease-arthritis syndrome. Also called: Autoinflammation and autoimmunity, systemic, with immune dysregulation. Identifiers: Orphanet 444092, MedGen C5975714, MONDO:0014629.

Submission:

Labcorp Genetics (formerly Invitae), Labcorp
Classification: Uncertain significance for Autoimmune interstitial lung disease-arthritis syndrome. Last evaluated: 2023-05-15. Review status: criteria provided, single submitter. Criteria: Invitae Variant Classification Sherloc (09022015). Collection method: clinical testing. Allele origin: germline.
Comment: This variant has not been reported in the literature in individuals affected with COPA-related conditions. In summary, the available evidence is currently insufficient to determine the role of this variant in disease. Therefore, it has been classified as a Variant of Uncertain Significance. Variants that disrupt the consensus splice site are a relatively common cause of aberrant splicing (PMID: 17576681, 9536098). Algorithms developed to predict the effect of sequence changes on RNA splicing suggest that this variant is not likely to affect RNA splicing. This variant is not present in population databases (gnomAD no frequency). This sequence change affects codon 434 of the COPA mRNA. It is a 'silent' change, meaning that it does not change the encoded amino acid sequence of the COPA protein. This variant also falls at the last nucleotide of exon 14, which is part of the consensus splice site for this exon.

Literature cited by the submitters: PubMed 17576681; PubMed 9536098.

NM_004371.4(COPA):c.1302G>A (p.Ser434=)

Gene: COPA (coat protein complex I subunit alpha; minus strand). Cytogenetic location: 1q23.2.
Variant type: single nucleotide variant.
Coding change: c.1302G>A on transcript NM_004371.4 (MANE Select); coding-DNA position 1302, G replaced by A.
Protein change: p.Ser434=; no amino-acid change (serine 434 retained).
Molecular consequence: synonymous variant.
Genome position (GRCh38, 1-based): chr1:160,307,163, C>T on the plus strand (G>A on the coding strand, the complement: COPA is on the minus strand). VCF-style: chr1-160307163-C-T. GRCh37 (hg19) VCF-style: chr1-160276953-C-T.
Other names: c.1302G>A, p.Ser434= (NM_001098398.2).
Identifiers: ClinVar variation 2864489 (VCV002864489.3), dbSNP rs2525391414, ClinGen allele CA421352788.